The following is an entry in ClinVar:

ClinVar aggregate classification (germline): Uncertain significance (1 of 4 stars; one submission).

Allele frequency attached by ClinVar (database versions not stated): gnomAD exomes below 0.00001 and 0.00001; ExAC 0.00001.
gnomAD v4.1: 3 of 1,613,988 alleles (0.00019%); highest among the groups gnomAD compares: Admixed American, 0.0017%; no homozygotes.

Submission:

Labcorp Genetics (formerly Invitae), Labcorp
Classification: Uncertain significance. Last evaluated: 2022-04-05. Review status: criteria provided, single submitter. Criteria: Invitae Variant Classification Sherloc (09022015). Collection method: clinical testing. Allele origin: germline.
Comment: In summary, the available evidence is currently insufficient to determine the role of this variant in disease. Therefore, it has been classified as a Variant of Uncertain Significance. Algorithms developed to predict the effect of missense changes on protein structure and function output the following: SIFT: "Tolerated"; PolyPhen-2: "Benign"; Align-GVGD: "Class C0". The arginine amino acid residue is found in multiple mammalian species, which suggests that this missense change does not adversely affect protein function. This variant has not been reported in the literature in individuals affected with PCARE-related conditions. This variant is present in population databases (rs749003878, gnomAD 0.003%). This sequence change replaces tryptophan, which is neutral and slightly polar, with arginine, which is basic and polar, at codon 397 of the PCARE protein (p.Trp397Arg).

NM_001029883.3(PCARE):c.1189T>C (p.Trp397Arg)

Gene: PCARE (photoreceptor cilium actin regulator; minus strand). Cytogenetic location: 2p23.2.
Variant type: single nucleotide variant.
Coding change: c.1189T>C on transcript NM_001029883.3 (MANE Select); coding-DNA position 1189, T replaced by C.
Protein change: p.Trp397Arg; replaces tryptophan 397 with arginine.
Molecular consequence: missense variant.
Genome position (GRCh38, 1-based): chr2:29,073,073, A>G on the plus strand (T>C on the coding strand, the complement: PCARE is on the minus strand). VCF-style: chr2-29073073-A-G. GRCh37 (hg19) VCF-style: chr2-29295939-A-G.
Other names: short protein forms W397R.
Identifiers: ClinVar variation 1484206 (VCV001484206.6), dbSNP rs749003878, ClinGen allele CA1592477.
Genomic context (GRCh38, chr2:29,073,073, plus strand): 5'-CCCCTGAGAGCAGGCAGTCCTGGGGTCTGCCTGAGCCCAAACAGAATGGACTTTGCTGCC[A>G]GGTGTGTCCTGACTGCCTGGCCTCTGTGTGGGGTGAAGTCACCGACTTCCATTCTTCGGG-3'
Protein context (NP_001025054.1, residues 387-407): HTEARQSGHT[Trp397Arg]QQSPFCLGSG